The following is an entry in ClinVar:

NM_001292063.2(OTOG):c.1169C>T (p.Ala390Val)

Gene: OTOG (otogelin; plus strand). Cytogenetic location: 11p15.1.
Variant type: single nucleotide variant.
Coding change: c.1169C>T on transcript NM_001292063.2 (MANE Select); coding-DNA position 1169, C replaced by T.
Protein change: p.Ala390Val; replaces alanine 390 with valine.
Molecular consequence: missense variant.
Genome position (GRCh38, 1-based): chr11:17,559,117, C>T. VCF-style: chr11-17559117-C-T. GRCh37 (hg19) VCF-style: chr11-17580664-C-T.
Other names: c.1205C>T, p.Ala402Val (NM_001277269.2); short protein forms A390V, A402V.
Identifiers: ClinVar variation 1698112 (VCV001698112.2), dbSNP rs1326511501, ClinGen allele CA379816327.
Genomic context (GRCh38, chr11:17,559,117, plus strand): 5'-TGGGTGATGTAGCCACCTGGTGCCGGGCACTGGCGGAGTATGCCCGGGCGTGTGCCCAGG[C>T]AGGGCGGCCCTTGCAAGGCTGGAGGACCCAGCTCCGGCAATGCAGTAGGTGCAGCCCAGT-3'
Protein context (NP_001278992.1, residues 380-400): LAEYARACAQ[Ala390Val]GRPLQGWRTQ

ClinVar aggregate classification (germline): Uncertain significance (1 of 4 stars; one submission).

gnomAD v4.1: 2 of 1,543,724 alleles (0.00013%); highest among the groups gnomAD compares: African/African-American, 0.0014%; no homozygotes.

Submission:

GeneDx
Classification: Uncertain significance. Last evaluated: 2022-01-24. Review status: criteria provided, single submitter. Criteria: GeneDx Variant Classification Process June 2021. Collection method: clinical testing. Allele origin: germline. Affected: yes.
Comment: In silico analysis supports a deleterious effect on splicing; In silico analysis supports that this missense variant does not alter protein structure/function; Has not been previously published as pathogenic or benign to our knowledge